The following is an entry in ClinVar:

ClinVar aggregate classification (germline): Uncertain significance (1 of 4 stars; one submission).

Conditions:
Cone-rod dystrophy 6 (CORD6). Also called: RETINAL CONE DYSTROPHY 2; Cone dystrophy progressive. Identifiers: Orphanet 1872, MedGen C1866293, MONDO:0011143, OMIM 601777.
Leber congenital amaurosis 1 (LCA1). Also called: RETINAL BLINDNESS, CONGENITAL; AMAUROSIS CONGENITA OF LEBER I; Congenital absence of the rods and cones; Leber's congenital tapetoretinal degeneration; Leber's congenital tapetoretinal dysplasia. Identifiers: Orphanet 65, MedGen C2931258, MONDO:0008764, OMIM 204000.

Submission:

Labcorp Genetics (formerly Invitae), Labcorp
Classification: Uncertain significance for Leber congenital amaurosis 1; Cone-rod dystrophy 6. Last evaluated: 2020-02-03. Review status: criteria provided, single submitter. Criteria: Invitae Variant Classification Sherloc (09022015). Collection method: clinical testing. Allele origin: germline.
Comment: In summary, the available evidence is currently insufficient to determine the role of this variant in disease. Therefore, it has been classified as a Variant of Uncertain Significance. Experimental studies and prediction algorithms are not available or were not evaluated, and the functional significance of this variant is currently unknown. This variant has not been reported in the literature in individuals with GUCY2D-related conditions. The frequency data for this variant in the population databases is considered unreliable, as metrics indicate insufficient coverage at this position in the ExAC database. This variant, c.238_252dup, results in the insertion of 5 amino acid(s) to the GUCY2D protein (p.Ala80_Leu84dup), but otherwise preserves the integrity of the reading frame.

NM_000180.4(GUCY2D):c.238_252dup (p.Ala80_Leu84dup)

Gene: GUCY2D (guanylate cyclase 2D, retinal; plus strand). Cytogenetic location: 17p13.1.
Variant type: Duplication.
Coding change: c.238_252dup on transcript NM_000180.4 (MANE Select); coding-DNA positions 238 to 252, 15 bases duplicated (GCCGCCGCCCGCCTG).
Protein change: p.Ala80_Leu84dup.
Molecular consequence: inframe insertion.
Genome position (GRCh38, 1-based): chr17:8,003,285-8,003,299, GCCGCCGCCCGCCTG duplicated; duplicating any 15 consecutive bases within chr17:8,003,273-8,003,299 gives the same sequence; the c. name uses the placement nearest the transcript's 3' end. VCF-style (leftmost placement, unchanged base first): chr17-8003272-G-GGCCGCCCGCCTGGCC. GRCh37 (hg19) VCF-style: chr17-7906590-G-GGCCGCCCGCCTGGCC.
Identifiers: ClinVar variation 1043285 (VCV001043285.7), dbSNP rs952193754, ClinGen allele CA2246053207.